The following is an entry in ClinVar:

NM_014915.3(ANKRD26):c.3263G>A (p.Arg1088Lys)

Gene: ANKRD26 (ankyrin repeat domain 26; minus strand). Cytogenetic location: 10p12.1.
Variant type: single nucleotide variant.
Coding change: c.3263G>A on transcript NM_014915.3 (MANE Select); coding-DNA position 3263, G replaced by A.
Protein change: p.Arg1088Lys; replaces arginine 1088 with lysine.
Molecular consequence: missense variant.
Genome position (GRCh38, 1-based): chr10:27,035,187, C>T on the plus strand (G>A on the coding strand, the complement: ANKRD26 is on the minus strand). VCF-style: chr10-27035187-C-T. GRCh37 (hg19) VCF-style: chr10-27324116-C-T.
Other names: c.3260G>A, p.Arg1087Lys (NM_001256053.2); short protein forms R1088K, R1087K.
Identifiers: ClinVar variation 2169391 (VCV002169391.5), dbSNP rs190741127, ClinGen allele CA5448065.

ClinVar aggregate classification (germline): Conflicting classifications of pathogenicity. Review status: criteria provided, conflicting classifications (1 of 4 stars). 2 submissions from 2 submitters: Uncertain significance (1); Likely benign (1). Last evaluated 2025-11-06.

Allele frequency attached by ClinVar (database versions not stated): gnomAD exomes 0.00002; TOPMed 0.00002; gnomAD 0.00003; ExAC 0.00004; 1000 Genomes Project 30x 0.00016; 1000 Genomes Project 0.00020.
gnomAD v4.1: 33 of 1,614,036 alleles (0.002%); highest among the groups gnomAD compares: East Asian, 0.051%; no homozygotes.

Submissions (2):

Labcorp Genetics (formerly Invitae), Labcorp
Classification: Likely benign. Last evaluated: 2025-11-06. Review status: criteria provided, single submitter. Criteria: Invitae Variant Classification Sherloc (09022015). Collection method: clinical testing. Allele origin: germline.

GeneDx
Classification: Uncertain significance. Last evaluated: 2024-03-01. Review status: criteria provided, single submitter. Criteria: GeneDx Variant Classification Process June 2021. Collection method: clinical testing. Allele origin: germline. Affected: yes.
Comment: In silico analysis supports that this missense variant does not alter protein structure/function; Has not been previously published as pathogenic or benign to our knowledge